The following is an entry in ClinVar:

ClinVar aggregate classification (germline): Likely benign. Review status: criteria provided, multiple submitters, no conflicts (2 of 4 stars). 5 submissions from 5 submitters: Likely benign (5). Last evaluated 2025-08-20.

Conditions:
MYO7A-related disorder. Also called: MYO7A-related disorders.

gnomAD v4.1: 19 of 1,568,190 alleles (0.0012%); highest among the groups gnomAD compares: Middle Eastern, 0.033%; no homozygotes.

Submissions (5):

PreventionGenetics, part of Exact Sciences
Classification: Likely benign for MYO7A-related condition. Last evaluated: 2025-08-20. Review status: criteria provided, single submitter. Criteria: ACMG Guidelines, 2015. Collection method: clinical testing. Allele origin: germline.
Comment: This variant is classified as likely benign based on ACMG/AMP sequence variant interpretation guidelines (Richards et al. 2015 PMID: 25741868, with internal and published modifications).

Labcorp Genetics (formerly Invitae), Labcorp
Classification: Likely benign. Last evaluated: 2024-11-07. Review status: criteria provided, single submitter. Criteria: Invitae Variant Classification Sherloc (09022015). Collection method: clinical testing. Allele origin: germline.

Blueprint Genetics
Classification: Likely benign. Last evaluated: 2023-08-07. Review status: criteria provided, single submitter. Criteria: ACMG Guidelines, 2015. Collection method: clinical testing. Allele origin: germline.

CeGaT Center for Human Genetics Tuebingen
Classification: Likely benign. Last evaluated: 2018-05-01. Review status: criteria provided, single submitter. Criteria: CeGaT Center For Human Genetics Tuebingen Variant Classification Criteria Version 2. Collection method: clinical testing. Allele origin: germline. Affected: yes. Observed: 1 variant allele.

Laboratory for Molecular Medicine, Mass General Brigham Personalized Medicine
Classification: Likely benign. Last evaluated: 2011-01-17. Review status: criteria provided, single submitter. Criteria: LMM Criteria. Collection method: clinical testing. Allele origin: germline. Observed: 1 variant allele.
Comment: Ser1829Ser in exon 40 of MYO7A: This variant is not expected to have clinical si gnificance because it does not alter an amino acid residue and is not located ne ar a splice junction.

NM_000260.4(MYO7A):c.5487C>T (p.Ser1829=)

Gene: MYO7A (myosin VIIA; plus strand). Cytogenetic location: 11q13.5.
Variant type: single nucleotide variant.
Coding change: c.5487C>T on transcript NM_000260.4 (MANE Select); coding-DNA position 5487, C replaced by T.
Protein change: p.Ser1829=; no amino-acid change (serine 1829 retained).
Molecular consequence: synonymous variant.
Genome position (GRCh38, 1-based): chr11:77,205,468, C>T. VCF-style: chr11-77205468-C-T. GRCh37 (hg19) VCF-style: chr11-76916513-C-T.
Other names: c.5373C>T, p.Ser1791= (NM_001127180.2); c.5340C>T, p.Ser1780= (NM_001369365.1).
Identifiers: ClinVar variation 43284 (VCV000043284.53), dbSNP rs397516318, ClinGen allele CA132386.